The following is an entry in ClinVar:

ClinVar aggregate classification (germline): Uncertain significance. Review status: criteria provided, multiple submitters, no conflicts (2 of 4 stars). 2 submissions from 2 submitters: Uncertain significance (2). Last evaluated 2025-08-26.

Conditions:
Inborn genetic diseases. Identifiers: MedGen C0950123, MeSH D030342.
Spastic paraplegia. Identifiers: MedGen C0037772, HP:0001258.

Allele frequency attached by ClinVar (database versions not stated): gnomAD 0.00001; gnomAD exomes 0.00002; TOPMed 0.00002; ExAC 0.00003.
gnomAD v4.1: 13 of 1,598,546 alleles (0.00081%); highest among the groups gnomAD compares: East Asian, 0.009%; no homozygotes.

Submissions (2):

Ambry Genetics
Classification: Uncertain significance for Inborn genetic diseases. Last evaluated: 2025-08-26. Review status: criteria provided, single submitter. Criteria: Ambry Variant Classification Scheme 2023. Collection method: clinical testing. Allele origin: germline.

Labcorp Genetics (formerly Invitae), Labcorp
Classification: Uncertain significance for Spastic paraplegia. Last evaluated: 2023-12-18. Review status: criteria provided, single submitter. Criteria: Invitae Variant Classification Sherloc (09022015). Collection method: clinical testing. Allele origin: germline.
Comment: This sequence change replaces leucine, which is neutral and non-polar, with phenylalanine, which is neutral and non-polar, at codon 954 of the AP4E1 protein (p.Leu954Phe). This variant is present in population databases (rs752289823, gnomAD 0.03%). This variant has not been reported in the literature in individuals affected with AP4E1-related conditions. ClinVar contains an entry for this variant (Variation ID: 1408254). Algorithms developed to predict the effect of missense changes on protein structure and function output the following: SIFT: "Not Available"; PolyPhen-2: "Benign"; Align-GVGD: "Not Available". The phenylalanine amino acid residue is found in multiple mammalian species, which suggests that this missense change does not adversely affect protein function. In summary, the available evidence is currently insufficient to determine the role of this variant in disease. Therefore, it has been classified as a Variant of Uncertain Significance.

NM_007347.5(AP4E1):c.2862G>C (p.Leu954Phe)

Gene: AP4E1 (adaptor related protein complex 4 subunit epsilon 1; plus strand). Cytogenetic location: 15q21.2.
Variant type: single nucleotide variant.
Coding change: c.2862G>C on transcript NM_007347.5 (MANE Select); coding-DNA position 2862, G replaced by C.
Protein change: p.Leu954Phe; replaces leucine 954 with phenylalanine.
Molecular consequence: missense variant.
Genome position (GRCh38, 1-based): chr15:50,997,841, G>C. VCF-style: chr15-50997841-G-C. GRCh37 (hg19) VCF-style: chr15-51290038-G-C.
Other names: c.2637G>C, p.Leu879Phe (NM_001252127.2); c.2862G>C (NM_007347.3); short protein forms L879F, L954F.
Identifiers: ClinVar variation 1408254 (VCV001408254.5), dbSNP rs752289823, ClinGen allele CA7559385.